The following is an entry in ClinVar:

ClinVar aggregate classification (germline): Benign. Review status: criteria provided, multiple submitters, no conflicts (2 of 4 stars). 3 submissions from 3 submitters: Benign (2). 1 of the submissions does not count toward it. Last evaluated 2025-09-05.

Conditions:
CTSB-related disorder. Also called: CTSB-related condition.

Allele frequency attached by ClinVar (database versions not stated): gnomAD exomes 0.00138 and 0.00366; ExAC 0.00437; ESP Exome Variant Server 0.01445; gnomAD 0.01497; 1000 Genomes Project 0.01518; TOPMed 0.01524; 1000 Genomes Project 30x 0.01562.
gnomAD v4.1: 4,159 of 1,611,986 alleles (0.26%); highest among the groups gnomAD compares: African/African-American, 4.8%; 89 homozygotes.

Submissions (3):

Labcorp Genetics (formerly Invitae), Labcorp
Classification: Benign. Last evaluated: 2025-09-05. Review status: criteria provided, single submitter. Criteria: Invitae Variant Classification Sherloc (09022015). Collection method: clinical testing. Allele origin: germline.

Breakthrough Genomics
Classification: Benign. Review status: criteria provided, single submitter. Criteria: ACMG Guidelines, 2015. Collection method: not provided. Allele origin: germline. Inheritance: Autosomal dominant inheritance. Affected: yes.

PreventionGenetics, part of Exact Sciences
Classification: Benign for CTSB-related condition. Last evaluated: 2019-11-11. Review status: no assertion criteria provided. Collection method: clinical testing. Allele origin: germline. Not counted in ClinVar's aggregate classification.
Comment: This variant is classified as benign based on ACMG/AMP sequence variant interpretation guidelines (Richards et al. 2015 PMID: 25741868, with internal and published modifications).

NM_001908.5(CTSB):c.699C>T (p.Ser233=)

Gene: CTSB (cathepsin B). Cytogenetic location: 8p23.1.
Variant type: single nucleotide variant.
Coding change: c.699C>T on transcript NM_001908.5 (MANE Select); coding-DNA position 699, C replaced by T.
Protein change: p.Ser233=; no amino-acid change (serine 233 retained).
Molecular consequence: synonymous variant.
Genome position (GRCh38, 1-based): chr8:11,847,146, G>A on the plus strand (C>T on the coding strand, the complement: CTSB is on the minus strand). VCF-style: chr8-11847146-G-A. GRCh37 (hg19) VCF-style: chr8-11704655-G-A.
Other names: c.327C>T, p.Ser109= (NM_001317237.2); c.699C>T, p.Ser233= (NM_001384714.1, NM_001384723.1, NM_001384724.1 and 8 more transcripts); c.699C>T (NM_001908.4).
Identifiers: ClinVar variation 1598668 (VCV001598668.11), dbSNP rs115207582, ClinGen allele CA4632589.